The following is an entry in ClinVar:

NM_002485.5(NBN):c.-31A>T

Gene: NBN (nibrin; minus strand). Cytogenetic location: 8q21.3.
Variant type: single nucleotide variant.
Coding change: c.-31A>T on transcript NM_002485.5 (MANE Select); 31 bases upstream of the start codon, A replaced by T.
Molecular consequence: 5 prime UTR variant.
Genome position (GRCh38, 1-based): chr8:89,984,592, T>A on the plus strand (A>T on the coding strand, the complement: NBN is on the minus strand). VCF-style: chr8-89984592-T-A. GRCh37 (hg19) VCF-style: chr8-90996820-T-A.
Other names: c.-327A>T (NM_001024688.3).
Identifiers: ClinVar variation 507129 (VCV000507129.1), dbSNP rs776530327, ClinGen allele CA4803128.
Genomic context (GRCh38, chr8:89,984,592, plus strand): 5'-CGGGCCCGCGGCGGGCAGCAGTTTCCACATCGGTCCGGCTCCTCAGGGCTGGGGCCGACG[T>A]GCAACCGCGTAACCGGGGCTGCTAGACGAGCGCGGATACGGCGCCTGCGGTCGGCATGGG-3'

ClinVar aggregate classification (germline): Likely benign (1 of 4 stars; one submission).

Allele frequency attached by ClinVar (database versions not stated): TOPMed 0.00002; gnomAD 0.00003 and 0.00001; ExAC 0.00005; gnomAD exomes 0.00008; 1000 Genomes Project 30x 0.00016.

Submission:

GeneDx
Classification: Likely benign. Last evaluated: 2017-01-31. Review status: criteria provided, single submitter. Criteria: GeneDx Variant Classification (06012015). Collection method: clinical testing. Allele origin: germline. Affected: yes.
Comment: This variant is considered likely benign or benign based on one or more of the following criteria: it is a conservative change, it occurs at a poorly conserved position in the protein, it is predicted to be benign by multiple in silico algorithms, and/or has population frequency not consistent with disease.